The following is an entry in ClinVar:

NM_000051.4(ATM):c.4612-1G>A

Gene: ATM (ATM serine/threonine kinase; plus strand). Cytogenetic location: 11q22.3.
Variant type: single nucleotide variant.
Coding change: c.4612-1G>A on transcript NM_000051.4 (MANE Select); the canonical splice acceptor site of the intron before coding-DNA position 4612, G replaced by A.
Molecular consequence: splice acceptor variant.
Genome position (GRCh38, 1-based): chr11:108,293,312, G>A. VCF-style: chr11-108293312-G-A. GRCh37 (hg19) VCF-style: chr11-108164039-G-A.
Other names: c.4612-1G>A (NM_001351834.2).
Identifiers: ClinVar variation 551093 (VCV000551093.5), dbSNP rs1555100351, ClinGen allele CA382534559.

ClinVar aggregate classification (germline): Likely pathogenic. Review status: criteria provided, single submitter (1 of 4 stars). 2 submissions from 2 submitters: Likely pathogenic (1). 1 of the submissions does not count toward it. Last evaluated 2023-12-01.

Conditions:
Ataxia-telangiectasia syndrome (AT). Also called: Ataxia-telangiectasia, complementation group D; AT, COMPLEMENTATION GROUP C; Ataxia-telangiectasia, complementation group E; LOUIS-BAR SYNDROME; Cerebello-oculocutaneous telangiectasia; Immunodeficiency with ataxia telangiectasia. Identifiers: Orphanet 100, MedGen C0004135, MONDO:0008840, OMIM 208900.

Submissions (2):

Labcorp Genetics (formerly Invitae), Labcorp
Classification: Likely pathogenic for Ataxia-telangiectasia syndrome. Last evaluated: 2023-12-01. Review status: criteria provided, single submitter. Criteria: Invitae Variant Classification Sherloc (09022015). Collection method: clinical testing. Allele origin: germline.
Comment: This sequence change affects an acceptor splice site in intron 30 of the ATM gene. It is expected to disrupt RNA splicing. Variants that disrupt the donor or acceptor splice site typically lead to a loss of protein function (PMID: 16199547), and loss-of-function variants in ATM are known to be pathogenic (PMID: 23807571, 25614872). This variant is not present in population databases (gnomAD no frequency). This variant has not been reported in the literature in individuals affected with ATM-related conditions. ClinVar contains an entry for this variant (Variation ID: 551093). Algorithms developed to predict the effect of sequence changes on RNA splicing suggest that this variant may disrupt the consensus splice site. In summary, the currently available evidence indicates that the variant is pathogenic, but additional data are needed to prove that conclusively. Therefore, this variant has been classified as Likely Pathogenic.

Counsyl
Classification: Likely pathogenic for Ataxia-telangiectasia syndrome. Last evaluated: 2017-03-15. Review status: no assertion criteria provided. Collection method: clinical testing. Allele origin: unknown. Not counted in ClinVar's aggregate classification.

Literature cited by the submitters: PubMed 16199547 (cited by Labcorp Genetics (formerly Invitae), Labcorp); PubMed 23807571 (cited by Labcorp Genetics (formerly Invitae), Labcorp); PubMed 25614872 (cited by Labcorp Genetics (formerly Invitae), Labcorp).